The following is an entry in ClinVar:

NM_003193.5(TBCE):c.1271-6A>C

Genes: B3GALNT2 (beta-1,3-N-acetylgalactosaminyltransferase 2; minus strand), TBCE (tubulin folding cofactor E; plus strand). Cytogenetic location: 1q42.3.
Variant type: single nucleotide variant.
Coding change: c.1271-6A>C on transcript NM_003193.5 (MANE Select); 6 bases into the intron before coding-DNA position 1271, A replaced by C.
Molecular consequence: intron variant.
Genome position (GRCh38, 1-based): chr1:235,441,808, A>C. VCF-style: chr1-235441808-A-C. GRCh37 (hg19) VCF-style: chr1-235605123-A-C.
Other names: c.1424-6A>C (NM_001287801.1, NM_001287801.2); c.1271-6A>C (NM_001079515.3); c.932-6A>C (NM_001287802.2).
Identifiers: ClinVar variation 3014014 (VCV003014014.4), dbSNP rs770085515, ClinGen allele CA1464412.
Genomic context (GRCh38, chr1:235,441,808, plus strand): 5'-GTTTGTTTTGTTTTTACTTATAGTGGCCTTTGGTTTATCATTCATCTCTTTTGCTTTCTT[A>C]AACAGAATATGGTGCACCTGAAGATTGGGAACTCAAAACACAGCAACCACTTATGCTGAA-3'

ClinVar aggregate classification (germline): Likely benign. Review status: criteria provided, multiple submitters, no conflicts (2 of 4 stars). 2 submissions from 2 submitters: Likely benign (2). Last evaluated 2024-11-07.

Conditions:
TBCE-related disorder. Also called: TBCE-related disorders; TBCE-related condition.

Allele frequency attached by ClinVar (database versions not stated): gnomAD exomes 0.00001; ExAC 0.00002; TOPMed 0.00008; gnomAD 0.00010.
gnomAD v4.1: 33 of 1,613,562 alleles (0.002%); highest among the groups gnomAD compares: African/African-American, 0.044%; no homozygotes.

Submissions (2):

PreventionGenetics, part of Exact Sciences
Classification: Likely benign for TBCE-related condition. Last evaluated: 2024-11-07. Review status: criteria provided, single submitter. Criteria: ACMG Guidelines, 2015. Collection method: clinical testing. Allele origin: germline.
Comment: This variant is classified as likely benign based on ACMG/AMP sequence variant interpretation guidelines (Richards et al. 2015 PMID: 25741868, with internal and published modifications).

Labcorp Genetics (formerly Invitae), Labcorp
Classification: Likely benign. Last evaluated: 2024-01-15. Review status: criteria provided, single submitter. Criteria: Invitae Variant Classification Sherloc (09022015). Collection method: clinical testing. Allele origin: germline.